The following is an entry in ClinVar:

ClinVar aggregate classification (germline): Uncertain significance (1 of 4 stars; one submission).

Conditions:
Ehlers-Danlos syndrome, musculocontractural type (EDSMC). Also called: Adducted thumb, clubfoot, progressive joint and skin laxity syndrome; DUNDAR SYNDROME; ARTHROGRYPOSIS, DISTAL, WITH PECULIAR FACIES AND HYDRONEPHROSIS; ADDUCTED THUMB-CLUBFOOT SYNDROME. Identifiers: Orphanet 2953, MedGen C1866294, MONDO:0011142.

Submission:

Labcorp Genetics (formerly Invitae), Labcorp
Classification: Uncertain significance for Ehlers-Danlos syndrome, musculocontractural type. Last evaluated: 2025-01-18. Review status: criteria provided, single submitter. Criteria: Invitae Variant Classification Sherloc (09022015). Collection method: clinical testing. Allele origin: germline.
Comment: This sequence change affects codon 245 of the CHST14 mRNA. It is a 'silent' change, meaning that it does not change the encoded amino acid sequence of the CHST14 protein. This variant is not present in population databases (gnomAD no frequency). This variant has not been reported in the literature in individuals affected with CHST14-related conditions. In summary, the available evidence is currently insufficient to determine the role of this variant in disease. Therefore, it has been classified as a Variant of Uncertain Significance.

NM_130468.4(CHST14):c.735C>T (p.Tyr245=)

Gene: CHST14 (carbohydrate sulfotransferase 14; plus strand). Cytogenetic location: 15q15.1.
Variant type: single nucleotide variant.
Coding change: c.735C>T on transcript NM_130468.4 (MANE Select); coding-DNA position 735, C replaced by T.
Protein change: p.Tyr245=; no amino-acid change (tyrosine 245 retained).
Molecular consequence: synonymous variant.
Genome position (GRCh38, 1-based): chr15:40,471,948, C>T. VCF-style: chr15-40471948-C-T. GRCh37 (hg19) VCF-style: chr15-40764147-C-T.
Identifiers: ClinVar variation 3729143 (VCV003729143.2).
Genomic context (GRCh38, chr15:40,471,948, plus strand): 5'-CAAGTTTGGCGAGATCCGAGAGTACCAGCAACGCTATGGGGCTGAGATAGTGAGGCGGTA[C>T]AGGGCTGGAGCGGGGCCCAGCCCTGCAGGCGACGATGTCACATTCCCCGAGTTCCTGAGA-3'
Protein context (NP_569735.1, residues 235-255): QRYGAEIVRR[Tyr245=]RAGAGPSPAG